The following is an entry in ClinVar:

NM_000038.6(APC):c.6025C>A (p.Pro2009Thr)

Gene: APC (APC regulator of Wnt signaling pathway; plus strand). Cytogenetic location: 5q22.2.
Variant type: single nucleotide variant.
Coding change: c.6025C>A on transcript NM_000038.6 (MANE Select); coding-DNA position 6025, C replaced by A.
Protein change: p.Pro2009Thr; replaces proline 2009 with threonine.
Molecular consequence: missense variant.
Genome position (GRCh38, 1-based): chr5:112,841,619, C>A. VCF-style: chr5-112841619-C-A. GRCh37 (hg19) VCF-style: chr5-112177316-C-A.
Other names: c.6025C>A, p.Pro2009Thr (NM_001354895.2, NM_001127510.3); c.6079C>A, p.Pro2027Thr (NM_001354896.2); c.6055C>A, p.Pro2019Thr (NM_001354897.2); c.5950C>A, p.Pro1984Thr (NM_001354898.2); c.5941C>A, p.Pro1981Thr (NM_001354899.2); c.5902C>A, p.Pro1968Thr (NM_001354900.2); c.5848C>A, p.Pro1950Thr (NM_001354901.2); c.5752C>A, p.Pro1918Thr (NM_001354902.2); and 5 more; short protein forms P2009T, P1991T, P1918T, P1984T, P1849T, P1908T, P1950T, P1968T.
Identifiers: ClinVar variation 470032 (VCV000470032.11), dbSNP rs1554087150, ClinGen allele CA16034514.
Genomic context (GRCh38, chr5:112,841,619, plus strand): 5'-GAGACTGAGCCCCCTGACTCACAGGGAGAACCAAGTAAACCTCAAGCATCAGGCTATGCT[C>A]CTAAATCATTTCATGTTGAAGATACCCCAGTTTGTTTCTCAAGAAACAGTTCTCTCAGTT-3'
Protein context (NP_000029.2, residues 1999-2019): PSKPQASGYA[Pro2009Thr]KSFHVEDTPV

ClinVar aggregate classification (germline): Uncertain significance. Review status: criteria provided, multiple submitters, no conflicts (2 of 4 stars). 2 submissions from 2 submitters: Uncertain significance (2). Last evaluated 2026-07-10.

Conditions:
Hereditary cancer-predisposing syndrome. Also called: Neoplastic Syndromes, Hereditary; Hereditary neoplastic syndrome; Hereditary Cancer Syndrome; Tumor predisposition. Identifiers: Orphanet 140162, MedGen C0027672, MeSH D009386, MONDO:0015356.
Familial adenomatous polyposis 1 (FAP1). Also called: POLYPOSIS, ADENOMATOUS INTESTINAL; FAMILIAL ADENOMATOUS POLYPOSIS 1, ATTENUATED. Identifiers: MedGen C2713442, MONDO:0021056, OMIM 175100. Disease mechanism: loss of function.

Submissions (2):

Ambry Genetics
Classification: Uncertain significance for Hereditary cancer-predisposing syndrome. Last evaluated: 2026-07-10. Review status: criteria provided, single submitter. Criteria: Ambry Variant Classification Scheme 2023. Collection method: clinical testing. Allele origin: germline.
Comment: The p.P2009T variant (also known as c.6025C>A), located in coding exon 15 of the APC gene, results from a C to A substitution at nucleotide position 6025. The proline at codon 2009 is replaced by threonine, an amino acid with highly similar properties. This amino acid position is conserved. In addition, in silico predictors for this gene do not accurately predict pathogenicity. Based on the available evidence, the clinical significance of this variant remains unclear.

Labcorp Genetics (formerly Invitae), Labcorp
Classification: Uncertain significance for Familial adenomatous polyposis 1. Last evaluated: 2017-02-20. Review status: criteria provided, single submitter. Criteria: Invitae Variant Classification Sherloc (09022015). Collection method: clinical testing. Allele origin: germline.
Comment: This variant is not present in population databases (ExAC no frequency) and has not been reported in the literature in individuals with a APC-related disease. In summary, this variant is a novel missense change with uncertain impact on protein function. It has been classified as a Variant of Uncertain Significance. Algorithms developed to predict the effect of missense changes on protein structure and function do not agree on the potential impact of this missense change (SIFT: "Tolerated"; PolyPhen-2: "Probably Damaging"; Align-GVGD: "Class C0"). This sequence change replaces proline with threonine at codon 2009 of the APC protein (p.Pro2009Thr). The proline residue is highly conserved and there is a small physicochemical difference between proline and threonine.